The following is an entry in ClinVar:

NM_000090.4(COL3A1):c.899G>T (p.Gly300Val)

Gene: COL3A1 (collagen type III alpha 1 chain; plus strand). Cytogenetic location: 2q32.2.
Variant type: single nucleotide variant.
Coding change: c.899G>T on transcript NM_000090.4 (MANE Select); coding-DNA position 899, G replaced by T.
Protein change: p.Gly300Val; replaces glycine 300 with valine.
Molecular consequence: missense variant.
Genome position (GRCh38, 1-based): chr2:188,991,670, G>T. VCF-style: chr2-188991670-G-T. GRCh37 (hg19) VCF-style: chr2-189856396-G-T.
Identifiers: ClinVar variation 101127 (VCV000101127.4), dbSNP rs587779440, ClinGen allele CA007555.
Genomic context (GRCh38, chr2:188,991,670, plus strand): 5'-CAACTGTTCTTACACATGTCAAGATTAGAGTAAAACCATATTTCAATTTTACTCTGTAGG[G>T]TCCAAGAGGGGCTCCTGGTGAGCGAGGACGGCCAGGACTTCCTGGGGCTGCAGTGAGTAT-3'
Protein context (NP_000081.2, residues 290-310): PGENGAPGPM[Gly300Val]PRGAPGERGR

ClinVar aggregate classification (germline): Likely pathogenic. Review status: criteria provided, multiple submitters, no conflicts (2 of 4 stars). 3 submissions from 3 submitters: Likely pathogenic (2). 1 of the submissions does not count toward it. Last evaluated 2026-04-13.

Conditions:
Polymicrogyria with or without vascular-type Ehlers-Danlos syndrome. Identifiers: Orphanet 636941, MedGen C5193040, MONDO:0032688, OMIM 618343.
Ehlers-Danlos syndrome, type 4 (EDSVASC). Also called: Ehlers-Danlos syndrome vascular type; Ehlers Danlos syndrome, ecchymotic type; Ehlers Danlos syndrome, arterial type; Ehlers Danlos syndrome, Sack-Barabas type; Ehlers-Danlos Syndrome Type IV. Identifiers: Orphanet 286, MedGen C0268338, MONDO:0017314, OMIM 130050.

Submissions (3):

Women's Health and Genetics/Laboratory Corporation of America, LabCorp
Classification: Likely pathogenic for Polymicrogyria with or without vascular-type Ehlers-Danlos syndrome. Last evaluated: 2026-04-13. Review status: criteria provided, single submitter. Criteria: LabCorp Variant Classification Summary - May 2015. Collection method: clinical testing. Allele origin: germline.
Comment: Variant summary: COL3A1 c.899G>T (p.Gly300Val) results in a non-conservative amino acid change in the encoded protein sequence. This variant disrupts the triple helix domain of COL3A1. Glycine residues within the Gly-Xaa-Yaa repeats of the triple helix domain are required for the structure and stability of fibrillar collagens (PMID: 7695699, 8218237, 19344236). Algorithms developed to predict the effect of missense changes on protein structure and function all suggest that this variant is likely to be disruptive. Consensus agreement among computation tools predict no significant impact on normal splicing. However, these predictions have yet to be confirmed by functional studies. The variant was absent in 251288 control chromosomes. c.899G>T has been observed in at least one individual affected with clinical features of a COL3A1-related condition (example: Pepin_2014). This report does not provide unequivocal conclusions about association of the variant with Polymicrogyria with or without vascular-type Ehlers-Danlos syndrome. To our knowledge, no experimental evidence demonstrating an impact on protein function has been reported. The following publication has been ascertained in the context of this evaluation (PMID: 24922459). ClinVar contains an entry for this variant (Variation ID: 101127). Based on the evidence outlined above, the variant was classified as likely pathogenic.

Labcorp Genetics (formerly Invitae), Labcorp
Classification: Likely pathogenic for Ehlers-Danlos syndrome, type 4. Last evaluated: 2025-11-03. Review status: criteria provided, single submitter. Criteria: Invitae Variant Classification Sherloc (09022015). Collection method: clinical testing. Allele origin: germline.
Comment: This sequence change replaces glycine, which is neutral and non-polar, with valine, which is neutral and non-polar, at codon 300 of the COL3A1 protein (p.Gly300Val). This variant is not present in population databases (gnomAD no frequency). This missense change has been observed in individual(s) with clinical features of COL3A1-related conditions (PMID: 24922459). ClinVar contains an entry for this variant (Variation ID: 101127). Experimental studies and prediction algorithms are not available or were not evaluated, and the functional significance of this variant is currently unknown. This variant disrupts the triple helix domain of COL3A1. Glycine residues within the Gly-Xaa-Yaa repeats of the triple helix domain are required for the structure and stability of fibrillar collagens (PMID: 7695699, 8218237, 19344236). In COL3A1, variants that affect these glycine residues are significantly enriched in individuals with disease (PMID: 24922459, 25758994) compared to the general population (ExAC). In summary, the currently available evidence indicates that the variant is pathogenic, but additional data are needed to prove that conclusively. Therefore, this variant has been classified as Likely Pathogenic.

Collagen Diagnostic Laboratory, University of Washington
Classification: Pathogenic for Ehlers-Danlos syndrome, type 4. Review status: no assertion criteria provided. Collection method: clinical testing. Allele origin: germline. Affected: yes. Not counted in ClinVar's aggregate classification.

Literature cited by the submitters: PubMed 24922459 (cited by Women's Health and Genetics/Laboratory Corporation of America, LabCorp and Labcorp Genetics (formerly Invitae), Labcorp); PubMed 7695699 (cited by Labcorp Genetics (formerly Invitae), Labcorp); PubMed 8218237 (cited by Labcorp Genetics (formerly Invitae), Labcorp); PubMed 19344236 (cited by Labcorp Genetics (formerly Invitae), Labcorp); PubMed 25758994 (cited by Labcorp Genetics (formerly Invitae), Labcorp).